The following is an entry in ClinVar:

ClinVar aggregate classification (germline): Uncertain significance (1 of 4 stars; one submission).

Conditions:
Aganglionic megacolon (HSCR). Also called: Hirschsprung's disease; Hirschsprung disease. Identifiers: Orphanet 388, MedGen C0019569, MeSH D006627, MONDO:0018309, HP:0002251.
Hyperphosphatasia with impaired intellectual development syndrome 2. Also called: Hyperphosphatasia with intellectual disability syndrome 2; GLYCOSYLPHOSPHATIDYLINOSITOL BIOSYNTHESIS DEFECT 6. Identifiers: Orphanet 247262, MedGen C3553637, MONDO:0013882, OMIM 614749.

Submission:

Diagnostics Services (NGS), CSIR - Centre For Cellular And Molecular Biology
Classification: Uncertain significance for Hirschsprung disease; Hyperphosphatasia with impaired intellectual development syndrome 2. Last evaluated: 2019-07-31. Review status: criteria provided, single submitter. Criteria: ACMG Guidelines, 2015. Collection method: clinical testing. Allele origin: germline. Inheritance: Autosomal recessive inheritance. Affected: yes. Observed: 1 homozygote.
Comment: This variant has not been reported as a normal variation in publicly available databases like 1000 Genomes, Exome Variant Server (EVS), Exome Aggregation Consortium (ExAC), Genome Aggregation Database (gnomAD) and dbSNP and the region was conserved. The variant is also not present in our in-house exome database. This variant has not been reported in other patients in OMIM, ClinVar and HGMD databases. In-silico pathogenicity prediction programs like Polyphen2, Mutation Taster2, CADD etc. predicted it to be likely disease causing. However considering the clinical phenotype of the patient, the variant was classified as uncertain significance. Further validation of the variant is on-going.

NM_032634.4(PIGO):c.449G>T (p.Gly150Val)

Gene: PIGO (phosphatidylinositol glycan anchor biosynthesis class O; minus strand). Cytogenetic location: 9p13.3.
Variant type: single nucleotide variant.
Coding change: c.449G>T on transcript NM_032634.4 (MANE Select); coding-DNA position 449, G replaced by T.
Protein change: p.Gly150Val; replaces glycine 150 with valine.
Molecular consequence: missense variant.
Genome position (GRCh38, 1-based): chr9:35,095,117, C>A on the plus strand (G>T on the coding strand, the complement: PIGO is on the minus strand). VCF-style: chr9-35095117-C-A. GRCh37 (hg19) VCF-style: chr9-35095114-C-A.
Other names: c.449G>T, p.Gly150Val (NM_001201484.2, NM_152850.4); short protein forms G150V.
Identifiers: ClinVar variation 694579 (VCV000694579.5), dbSNP rs1587176408, ClinGen allele CA373324271.